The following is an entry in ClinVar:

NM_003737.4(DCHS1):c.7573G>A (p.Gly2525Ser)

Gene: DCHS1 (dachsous cadherin-related 1; minus strand). Cytogenetic location: 11p15.4.
Variant type: single nucleotide variant.
Coding change: c.7573G>A on transcript NM_003737.4 (MANE Select); coding-DNA position 7573, G replaced by A.
Protein change: p.Gly2525Ser; replaces glycine 2525 with serine.
Molecular consequence: missense variant.
Genome position (GRCh38, 1-based): chr11:6,624,103, C>T on the plus strand (G>A on the coding strand, the complement: DCHS1 is on the minus strand). VCF-style: chr11-6624103-C-T. GRCh37 (hg19) VCF-style: chr11-6645334-C-T.
Other names: short protein forms G2525S.
Identifiers: ClinVar variation 1377777 (VCV001377777.6), dbSNP rs2134612113, ClinGen allele CA379482807.

ClinVar aggregate classification (germline): Uncertain significance (1 of 4 stars; one submission).

Allele frequency attached by ClinVar (database versions not stated): gnomAD exomes below 0.00001.
gnomAD v4.1: 1 of 1,612,048 alleles (0.000062%); highest among the groups gnomAD compares: Non-Finnish European, 0.000085%; no homozygotes.

Submission:

Labcorp Genetics (formerly Invitae), Labcorp
Classification: Uncertain significance. Last evaluated: 2022-01-02. Review status: criteria provided, single submitter. Criteria: Invitae Variant Classification Sherloc (09022015). Collection method: clinical testing. Allele origin: germline.
Comment: In summary, the available evidence is currently insufficient to determine the role of this variant in disease. Therefore, it has been classified as a Variant of Uncertain Significance. Advanced modeling of protein sequence and biophysical properties (such as structural, functional, and spatial information, amino acid conservation, physicochemical variation, residue mobility, and thermodynamic stability) performed at Invitae indicates that this missense variant is not expected to disrupt DCHS1 protein function. This variant has not been reported in the literature in individuals affected with DCHS1-related conditions. This variant is not present in population databases (gnomAD no frequency). This sequence change replaces glycine, which is neutral and non-polar, with serine, which is neutral and polar, at codon 2525 of the DCHS1 protein (p.Gly2525Ser).